The following is an entry in ClinVar:

ClinVar aggregate classification (germline): Pathogenic (1 of 4 stars; one submission).

Conditions:
Lamellar ichthyosis. Identifiers: Orphanet 313, MedGen C5848247, MONDO:0017778.

Submission:

Women's Health and Genetics/Laboratory Corporation of America, LabCorp
Classification: Pathogenic for Lamellar ichthyosis. Last evaluated: 2025-04-09. Review status: criteria provided, single submitter. Criteria: LabCorp Variant Classification Summary - May 2015. Collection method: clinical testing. Allele origin: germline.
Comment: Variant summary: ABCA12 c.5366_5373delAGACAGCC (p.Gln1789LeufsX4) results in a premature termination codon, predicted to cause a truncation of the encoded protein or absence of the protein due to nonsense mediated decay, which are commonly known mechanisms for disease. The variant allele was found at a frequency of 0.00011 in 251076 control chromosomes. This frequency is not significantly higher than estimated for a pathogenic variant in ABCA12 causing Lamellar Ichthyosis (0.00011 vs 0.00066), allowing no conclusion about variant significance. To our knowledge, no occurrence of c.5366_5373delAGACAGCC in individuals affected with Lamellar Ichthyosis and no experimental evidence demonstrating its impact on protein function have been reported. No submitters have cited clinical-significance assessments for this variant to ClinVar. Based on the evidence outlined above, the variant was classified as pathogenic.

NM_173076.3(ABCA12):c.5366_5373del (p.Gln1789fs)

Gene: ABCA12 (ATP binding cassette subfamily A member 12; minus strand). Cytogenetic location: 2q35.
Variant type: Deletion.
Coding change: c.5366_5373del on transcript NM_173076.3 (MANE Select); coding-DNA positions 5366 to 5373, 8 bases deleted (AGACAGCC; older notation c.5366_5373delAGACAGCC).
Protein change: p.Gln1789fs; shifts the reading frame from glutamine 1789.
Molecular consequence: frameshift variant. On other transcripts: non-coding transcript variant (1).
Genome position (GRCh38, 1-based): chr2:214,975,793-214,975,800, GGCTGTCT deleted on the plus strand (AGACAGCC on the coding strand, the reverse complement: ABCA12 is on the minus strand); deleting any 8 consecutive bases within chr2:214,975,793-214,975,801 gives the same sequence; the c. name uses the placement nearest the transcript's 3' end. VCF-style (leftmost placement, unchanged base first): chr2-214975792-AGGCTGTCT-A. GRCh37 (hg19) VCF-style: chr2-215840516-AGGCTGTCT-A.
Other names: c.4412_4419del, p.Gln1471fs (NM_015657.4); c.5366_5373delAGACAGCC (NM_173076.3); short protein forms Q1471fs, Q1789fs.
Identifiers: ClinVar variation 3896372 (VCV003896372.2).
Genomic context (GRCh38, chr2:214,975,792, plus strand): 5'-CACTCCTGGAAGCATTTTGGAAACATTCTTTTAGTTAACAGAAAGAAACTTACGCATAGA[AGGCTGTCT>A]GTTCGGAGGTACCATAAAGAGAGGGGGAGATCTGAATCTCTGGATAACTGTTGCTGGAAT-3'